The following is an entry in ClinVar:

NM_015346.4(ZFYVE26):c.2401+4T>G

Gene: ZFYVE26 (zinc finger FYVE-type containing 26; minus strand). Cytogenetic location: 14q24.1.
Variant type: single nucleotide variant.
Coding change: c.2401+4T>G on transcript NM_015346.4 (MANE Select); 4 bases into the intron after coding-DNA position 2401, T replaced by G.
Molecular consequence: intron variant.
Genome position (GRCh38, 1-based): chr14:67,794,167, A>C on the plus strand (T>G on the coding strand, the complement: ZFYVE26 is on the minus strand). VCF-style: chr14-67794167-A-C. GRCh37 (hg19) VCF-style: chr14-68260884-A-C.
Identifiers: ClinVar variation 1366492 (VCV001366492.3), dbSNP rs2140238470, ClinGen allele CA2573150147.
Genomic context (GRCh38, chr14:67,794,167, plus strand): 5'-TGTATGGCAACTCTATATCAGGGCAAAGCTGCTCAAAGTTGGCAACTGGTGGAAATCTGC[A>C]TACCTGACGTACTTGTGCTCAGCTCACTACTTGTACTTTCCAGGGATGGGTTTGAACCTC-3'

ClinVar aggregate classification (germline): Uncertain significance (1 of 4 stars; one submission).

Conditions:
Spastic paraplegia. Identifiers: MedGen C0037772, HP:0001258.

Submission:

Labcorp Genetics (formerly Invitae), Labcorp
Classification: Uncertain significance for Spastic paraplegia. Last evaluated: 2021-12-27. Review status: criteria provided, single submitter. Criteria: Invitae Variant Classification Sherloc (09022015). Collection method: clinical testing. Allele origin: germline.
Comment: This sequence change falls in intron 13 of the ZFYVE26 gene. It does not directly change the encoded amino acid sequence of the ZFYVE26 protein. It affects a nucleotide within the consensus splice site. This variant is not present in population databases (gnomAD no frequency). This variant has not been reported in the literature in individuals affected with ZFYVE26-related conditions. Variants that disrupt the consensus splice site are a relatively common cause of aberrant splicing (PMID: 17576681, 9536098). Algorithms developed to predict the effect of sequence changes on RNA splicing suggest that this variant is not likely to affect RNA splicing. In summary, the available evidence is currently insufficient to determine the role of this variant in disease. Therefore, it has been classified as a Variant of Uncertain Significance.

Literature cited by the submitters: PubMed 17576681; PubMed 9536098.